The following is an entry in ClinVar:

NM_000429.3(MAT1A):c.353C>G (p.Ala118Gly)

Gene: MAT1A (methionine adenosyltransferase 1A; minus strand). Cytogenetic location: 10q22.3.
Variant type: single nucleotide variant.
Coding change: c.353C>G on transcript NM_000429.3 (MANE Select); coding-DNA position 353, C replaced by G.
Protein change: p.Ala118Gly; replaces alanine 118 with glycine.
Molecular consequence: missense variant.
Genome position (GRCh38, 1-based): chr10:80,280,732, G>C on the plus strand (C>G on the coding strand, the complement: MAT1A is on the minus strand). VCF-style: chr10-80280732-G-C. GRCh37 (hg19) VCF-style: chr10-82040488-G-C.
Other names: short protein forms A118G.
Identifiers: ClinVar variation 2704831 (VCV002704831.3), dbSNP rs1841555750, ClinGen allele CA377363027.

ClinVar aggregate classification (germline): Uncertain significance (1 of 4 stars; one submission).

Conditions:
Hepatic methionine adenosyltransferase deficiency. Also called: Deficiency of methionine adenosyltransferase; Methionine adenosyltransferase deficiency; Isolated Persistent Hypermethioninemia; MAT I/III DEFICIENCY. Identifiers: Orphanet 168598, MedGen C0268621, MeSH C564683, MONDO:0009607, OMIM 250850.

gnomAD v4.1: 1 of 1,614,044 alleles (0.000062%); highest among the groups gnomAD compares: African/African-American, 0.0013%; no homozygotes.

Submission:

Labcorp Genetics (formerly Invitae), Labcorp
Classification: Uncertain significance for Hepatic methionine adenosyltransferase deficiency. Last evaluated: 2023-12-22. Review status: criteria provided, single submitter. Criteria: Invitae Variant Classification Sherloc (09022015). Collection method: clinical testing. Allele origin: germline.
Comment: This sequence change replaces alanine, which is neutral and non-polar, with glycine, which is neutral and non-polar, at codon 118 of the MAT1A protein (p.Ala118Gly). This variant is not present in population databases (gnomAD no frequency). This variant has not been reported in the literature in individuals affected with MAT1A-related conditions. Advanced modeling of protein sequence and biophysical properties (such as structural, functional, and spatial information, amino acid conservation, physicochemical variation, residue mobility, and thermodynamic stability) performed at Invitae indicates that this missense variant is not expected to disrupt MAT1A protein function with a negative predictive value of 80%. In summary, the available evidence is currently insufficient to determine the role of this variant in disease. Therefore, it has been classified as a Variant of Uncertain Significance.